The following is an entry in ClinVar:

ClinVar aggregate classification (germline): Uncertain significance (1 of 4 stars; one submission).

Conditions:
MHC class I deficiency. Identifiers: Orphanet 34592, MedGen C6024714, MONDO:0011476.

Submission:

Labcorp Genetics (formerly Invitae), Labcorp
Classification: Uncertain significance for MHC class I deficiency 1. Last evaluated: 2022-08-19. Review status: criteria provided, single submitter. Criteria: Invitae Variant Classification Sherloc (09022015). Collection method: clinical testing. Allele origin: germline.
Comment: In summary, the available evidence is currently insufficient to determine the role of this variant in disease. Therefore, it has been classified as a Variant of Uncertain Significance. Algorithms developed to predict the effect of missense changes on protein structure and function (SIFT, PolyPhen-2, Align-GVGD) all suggest that this variant is likely to be tolerated. This variant has not been reported in the literature in individuals affected with TAP1-related conditions. This variant is not present in population databases (gnomAD no frequency). This sequence change replaces glycine, which is neutral and non-polar, with serine, which is neutral and polar, at codon 238 of the TAP1 protein (p.Gly238Ser).

NM_000593.6(TAP1):c.532G>A (p.Gly178Ser)

Gene: TAP1 (transporter 1, ATP binding cassette subfamily B member; minus strand). Cytogenetic location: 6p21.32.
Variant type: single nucleotide variant.
Coding change: c.532G>A on transcript NM_000593.6 (MANE Select); coding-DNA position 532, G replaced by A.
Protein change: p.Gly178Ser; replaces glycine 178 with serine.
Molecular consequence: missense variant.
Genome position (GRCh38, 1-based): chr6:32,853,105, C>T on the plus strand (G>A on the coding strand, the complement: TAP1 is on the minus strand). VCF-style: chr6-32853105-C-T. GRCh37 (hg19) VCF-style: chr6-32820882-C-T.
Other names: short protein forms G178S.
Identifiers: ClinVar variation 1716692 (VCV001716692.5), dbSNP rs2483183156, ClinGen allele CA363582054.